The following is an entry in ClinVar:

ClinVar aggregate classification (germline): Pathogenic (1 of 4 stars; one submission).

Conditions:
Hyperinsulinemic hypoglycemia, familial, 1 (HHF1). Also called: HYPERINSULINISM, FAMILIAL, WITH PANCREATIC NESIDIOBLASTOSIS; HYPOGLYCEMIA, HYPERINSULINEMIC, OF INFANCY; NESIDIOBLASTOSIS OF PANCREAS; Persistent Hyperinsulinemia Hypoglycemia of Infancy; Persistent hyperinsulinemic hypoglycemia of infancy. Identifiers: Orphanet 276575, Orphanet 276598, MedGen C2931832, MONDO:0009734, OMIM 256450.

Submission:

Myriad Genetics, Inc.
Classification: Pathogenic for Hyperinsulinemic hypoglycemia, familial, 1. Last evaluated: 2025-01-10. Review status: criteria provided, single submitter. Criteria: Myriad Autosomal Dominant, Autosomal Recessive and X-Linked Classification Criteria (2023). Collection method: clinical testing. Allele origin: unknown.
Comment: NM_000352.3(ABCC8):c.1312delC(L438Sfs*12) is expected to be pathogenic in the context of familial hyperinsulinism, ABCC8-related. This variant is predicted to lead to an abnormal or absent protein product due to the creation of a premature termination codon in ABCC8, a gene where loss-of-function variants are known to be pathogenic. Please note: this variant was assessed in the context of healthy population screening.

NM_000352.6(ABCC8):c.1312del (p.Leu438fs)

Gene: ABCC8 (ATP binding cassette subfamily C member 8; minus strand). Cytogenetic location: 11p15.1.
Variant type: Deletion.
Coding change: c.1312del on transcript NM_000352.6 (MANE Select); coding-DNA position 1312, one base deleted (C; older notation c.1312delC).
Protein change: p.Leu438fs; shifts the reading frame from leucine 438.
Molecular consequence: frameshift variant. On other transcripts: non-coding transcript variant (1).
Genome position (GRCh38, 1-based): chr11:17,448,536, G deleted on the plus strand (C on the coding strand, the reverse complement: ABCC8 is on the minus strand); the first of 2 consecutive G bases (chr11:17,448,536-17,448,537); deleting either gives the same sequence. VCF-style (leftmost placement, unchanged base first): chr11-17448535-AG-A. GRCh37 (hg19) VCF-style: chr11-17470082-AG-A.
Other names: c.1312del, p.Leu438fs (NM_001287174.3, NM_001351295.2); c.1309del, p.Leu437fs (NM_001351296.2, NM_001351297.2); short protein forms L437fs, L438fs.
Identifiers: ClinVar variation 5013941 (VCV005013941.1).